The following is an entry in ClinVar:

NM_001330723.2(SNX27):c.1240-4_1240-3del

Gene: SNX27 (sorting nexin 27; plus strand). Cytogenetic location: 1q21.3.
Variant type: Deletion.
Coding change: c.1240-4_1240-3del on transcript NM_001330723.2 (MANE Select); 4 bases into the intron before coding-DNA position 1240 through 3 bases into the intron before coding-DNA position 1240, 2 bases deleted (TT; older notation c.1240-4_1240-3delTT).
Molecular consequence: intron variant.
Genome position (GRCh38, 1-based): chr1:151,692,431-151,692,432, TT deleted; deleting any 2 consecutive bases within chr1:151,692,407-151,692,432 gives the same sequence; the c. name uses the placement nearest the transcript's 3' end. VCF-style (leftmost placement, unchanged base first): chr1-151692406-CTT-C. GRCh37 (hg19) VCF-style: chr1-151664882-CTT-C.
Other names: c.1240-4_1240-3del (NM_030918.6); c.1240-4_1240-3delTT (NM_030918.5).
Identifiers: ClinVar variation 1536689 (VCV001536689.10), dbSNP rs61159507, ClinGen allele CA526310610.

ClinVar aggregate classification (germline): Benign. Review status: criteria provided, single submitter (1 of 4 stars). 2 submissions from 2 submitters: Benign (1). 1 of the submissions does not count toward it. Last evaluated 2024-07-22.

Conditions:
SNX27-related disorder. Also called: SNX27-related condition.
Severe myoclonic epilepsy in infancy (DRVT). Also called: Epileptic encephalopathy, early infantile, 6 (Dravet syndrome); Dravet syndrome; SEVERE MYOCLONIC EPILEPSY OF INFANCY; DEVELOPMENTAL AND EPILEPTIC ENCEPHALOPATHY 6A; Severe Myoclonic Epilepsy in Infancy (SMEI). Identifiers: Orphanet 33069, MedGen C0751122, MONDO:0100135, OMIM 607208.

Submissions (2):

Labcorp Genetics (formerly Invitae), Labcorp
Classification: Benign for Severe myoclonic epilepsy in infancy. Last evaluated: 2024-07-22. Review status: criteria provided, single submitter. Criteria: Invitae Variant Classification Sherloc (09022015). Collection method: clinical testing. Allele origin: germline.

PreventionGenetics, part of Exact Sciences
Classification: Benign for SNX27-related condition. Last evaluated: 2019-06-26. Review status: no assertion criteria provided. Collection method: clinical testing. Allele origin: germline. Not counted in ClinVar's aggregate classification.
Comment: This variant is classified as benign based on ACMG/AMP sequence variant interpretation guidelines (Richards et al. 2015 PMID: 25741868, with internal and published modifications).